The following is an entry in ClinVar:

NM_001903.5(CTNNA1):c.714G>C (p.Lys238Asn)

Gene: CTNNA1 (catenin alpha 1; plus strand). Cytogenetic location: 5q31.2.
Variant type: single nucleotide variant.
Coding change: c.714G>C on transcript NM_001903.5 (MANE Select); coding-DNA position 714, G replaced by C.
Protein change: p.Lys238Asn; replaces lysine 238 with asparagine.
Molecular consequence: missense variant.
Genome position (GRCh38, 1-based): chr5:138,824,655, G>C. VCF-style: chr5-138824655-G-C. GRCh37 (hg19) VCF-style: chr5-138160344-G-C.
Other names: c.714G>C, p.Lys238Asn (NM_001290307.3, NM_001323982.2, NM_001323983.1 and 3 more transcripts); c.405G>C, p.Lys135Asn (NM_001290309.3); c.345G>C, p.Lys115Asn (NM_001290310.3); short protein forms K115N, K135N, K238N.
Identifiers: ClinVar variation 1757385 (VCV001757385.3), dbSNP rs767223177, ClinGen allele CA361129817.
Genomic context (GRCh38, chr5:138,824,655, plus strand): 5'-TCCGATCCTCTATACTGCATCCCAGGCATGCCTACAGCACCCTGATGTCGCAGCCTATAA[G>C]GCCAACAGGGACCTGATATACAAGCAGCTGCAGCAGGCGGTCACAGGCATTTCCAATGCA-3'
Protein context (NP_001894.2, residues 228-248): CLQHPDVAAY[Lys238Asn]ANRDLIYKQL

ClinVar aggregate classification (germline): Uncertain significance. Review status: criteria provided, multiple submitters, no conflicts (2 of 4 stars). 2 submissions from 2 submitters: Uncertain significance (2). Last evaluated 2025-12-29.

Conditions:
Hereditary cancer-predisposing syndrome. Also called: Neoplastic Syndromes, Hereditary; Tumor predisposition; Hereditary Cancer Syndrome; Hereditary neoplastic syndrome. Identifiers: Orphanet 140162, MedGen C0027672, MeSH D009386, MONDO:0015356.

Submissions (2):

Center for Genomic Medicine, Rigshospitalet, Copenhagen University Hospital
Classification: Uncertain significance. Last evaluated: 2025-12-29. Review status: criteria provided, single submitter. Criteria: ACMG Guidelines, 2015. Collection method: clinical testing. Allele origin: germline.

Ambry Genetics
Classification: Uncertain significance for Hereditary cancer-predisposing syndrome. Last evaluated: 2020-10-05. Review status: criteria provided, single submitter. Criteria: Ambry Variant Classification Scheme 2023. Collection method: clinical testing. Allele origin: germline.
Comment: The p.K238N variant (also known as c.714G>C), located in coding exon 5 of the CTNNA1 gene, results from a G to C substitution at nucleotide position 714. The lysine at codon 238 is replaced by asparagine, an amino acid with similar properties. This amino acid position is highly conserved in available vertebrate species. In addition, this alteration is predicted to be tolerated by in silico analysis. Since supporting evidence is limited at this time, the clinical significance of this alteration remains unclear.